The following is an entry in ClinVar:

NM_003001.5(SDHC):c.207C>G (p.Ile69Met)

Gene: SDHC (succinate dehydrogenase complex subunit C; plus strand). Cytogenetic location: 1q23.3.
Variant type: single nucleotide variant.
Coding change: c.207C>G on transcript NM_003001.5 (MANE Select); coding-DNA position 207, C replaced by G.
Protein change: p.Ile69Met; replaces isoleucine 69 with methionine.
Molecular consequence: missense variant. On other transcripts: non-coding transcript variant (1).
Genome position (GRCh38, 1-based): chr1:161,340,621, C>G. VCF-style: chr1-161340621-C-G. GRCh37 (hg19) VCF-style: chr1-161310411-C-G.
Other names: c.207C>G, p.Ile69Met (NM_001035511.3); c.105C>G, p.Ile35Met (NM_001035512.3, NM_001278172.3, NM_001407118.1); c.48C>G, p.Ile16Met (NM_001035513.3); c.327C>G, p.Ile109Met (NM_001407115.1); c.150C>G, p.Ile50Met (NM_001407116.1, NM_001407117.1, NM_001407121.1); c.96C>G, p.Ile32Met (NM_001407119.1, NM_001407120.1); short protein forms I109M, I16M, I32M, I50M, I35M, I69M.
Identifiers: ClinVar variation 5029316 (VCV005029316.1).

ClinVar aggregate classification (germline): Uncertain significance (1 of 4 stars; one submission).

Conditions:
Hereditary cancer-predisposing syndrome. Also called: Neoplastic Syndromes, Hereditary; Tumor predisposition; Hereditary neoplastic syndrome; Hereditary Cancer Syndrome. Identifiers: Orphanet 140162, MedGen C0027672, MeSH D009386, MONDO:0015356.

Submission:

Ambry Genetics
Classification: Uncertain significance for Hereditary cancer-predisposing syndrome. Last evaluated: 2026-07-06. Review status: criteria provided, single submitter. Criteria: Ambry Variant Classification Scheme 2023. Collection method: clinical testing. Allele origin: germline.
Comment: The p.I69M variant (also known as c.207C>G), located in coding exon 4 of the SDHC gene, results from a C to G substitution at nucleotide position 207. The isoleucine at codon 69 is replaced by methionine, an amino acid with highly similar properties. This amino acid position is conserved. In addition, this alteration is predicted to be deleterious by in silico analysis. Based on the available evidence, the clinical significance of this variant remains unclear.